The following is an entry in ClinVar:

NM_032408.4(BAZ1B):c.3426A>G (p.Glu1142=)

Gene: BAZ1B (bromodomain adjacent to zinc finger domain 1B; minus strand). Cytogenetic location: 7q11.23.
Variant type: single nucleotide variant.
Coding change: c.3426A>G on transcript NM_032408.4 (MANE Select); coding-DNA position 3426, A replaced by G.
Protein change: p.Glu1142=; no amino-acid change (glutamic acid 1142 retained).
Molecular consequence: synonymous variant.
Genome position (GRCh38, 1-based): chr7:73,459,542, T>C on the plus strand (A>G on the coding strand, the complement: BAZ1B is on the minus strand). VCF-style: chr7-73459542-T-C. GRCh37 (hg19) VCF-style: chr7-72873872-T-C.
Other names: c.3426A>G, p.Glu1142= (NM_001370402.1).
Identifiers: ClinVar variation 735284 (VCV000735284.18), dbSNP rs141412243, ClinGen allele CA4287505.

ClinVar aggregate classification (germline): Benign/Likely benign. Review status: criteria provided, multiple submitters, no conflicts (2 of 4 stars). 2 submissions from 2 submitters: Benign (1); Likely benign (1). Last evaluated 2024-12-01.

Allele frequency attached by ClinVar (database versions not stated): 1000 Genomes Project 0.00060; 1000 Genomes Project 30x 0.00078; TOPMed 0.00187; gnomAD 0.00192 and 0.00201; ExAC 0.00203; ESP Exome Variant Server 0.00231.
gnomAD v4.1: 4,595 of 1,611,556 alleles (0.29%); highest among the groups gnomAD compares: Non-Finnish European, 0.36%; 9 homozygotes.

Submissions (2):

CeGaT Center for Human Genetics Tuebingen
Classification: Likely benign. Last evaluated: 2024-12-01. Review status: criteria provided, single submitter. Criteria: CeGaT Center For Human Genetics Tuebingen Variant Classification Criteria Version 2. Collection method: clinical testing. Allele origin: germline. Affected: yes. Observed: 2 variant alleles.
Comment: BAZ1B: BP4, BP7

Labcorp Genetics (formerly Invitae), Labcorp
Classification: Benign. Last evaluated: 2019-12-31. Review status: criteria provided, single submitter. Criteria: Invitae Variant Classification Sherloc (09022015). Collection method: clinical testing. Allele origin: germline.